The following is an entry in ClinVar:

ClinVar aggregate classification (germline): Uncertain significance. Review status: criteria provided, multiple submitters, no conflicts (2 of 4 stars). 2 submissions from 2 submitters: Uncertain significance (2). Last evaluated 2022-05-12.

Conditions:
Donnai-Barrow syndrome. Also called: FACIOOCULOACOUSTICORENAL SYNDROME; DBS/FOAR SYNDROME. Identifiers: Orphanet 2143, MedGen C1857277, MONDO:0009104, OMIM 222448.

Allele frequency attached by ClinVar (database versions not stated): gnomAD exomes 0.00001; TOPMed 0.00001; gnomAD 0.00002.
gnomAD v4.1: 25 of 1,613,954 alleles (0.0015%); highest among the groups gnomAD compares: Non-Finnish European, 0.0013%; no homozygotes.

Submissions (2):

Fulgent Genetics
Classification: Uncertain significance for Donnai-Barrow syndrome. Last evaluated: 2022-05-12. Review status: criteria provided, single submitter. Criteria: ACMG Guidelines, 2015. Collection method: clinical testing. Allele origin: unknown.

Labcorp Genetics (formerly Invitae), Labcorp
Classification: Uncertain significance. Last evaluated: 2021-10-25. Review status: criteria provided, single submitter. Criteria: Invitae Variant Classification Sherloc (09022015). Collection method: clinical testing. Allele origin: germline.
Comment: This sequence change replaces arginine with glutamine at codon 233 of the LRP2 protein (p.Arg233Gln). The arginine residue is weakly conserved and there is a small physicochemical difference between arginine and glutamine. This variant is not present in population databases (ExAC no frequency). This variant has not been reported in the literature in individuals affected with LRP2-related conditions. Advanced modeling of protein sequence and biophysical properties (such as structural, functional, and spatial information, amino acid conservation, physicochemical variation, residue mobility, and thermodynamic stability) performed at Invitae indicates that this missense variant is not expected to disrupt LRP2 protein function. In summary, the available evidence is currently insufficient to determine the role of this variant in disease. Therefore, it has been classified as a Variant of Uncertain Significance.

NM_004525.3(LRP2):c.698G>A (p.Arg233Gln)

Gene: LRP2 (LDL receptor related protein 2; minus strand). Cytogenetic location: 2q31.1.
Variant type: single nucleotide variant.
Coding change: c.698G>A on transcript NM_004525.3 (MANE Select); coding-DNA position 698, G replaced by A.
Protein change: p.Arg233Gln; replaces arginine 233 with glutamine.
Molecular consequence: missense variant.
Genome position (GRCh38, 1-based): chr2:169,292,324, C>T on the plus strand (G>A on the coding strand, the complement: LRP2 is on the minus strand). VCF-style: chr2-169292324-C-T. GRCh37 (hg19) VCF-style: chr2-170148834-C-T.
Other names: short protein forms R233Q.
Identifiers: ClinVar variation 1424673 (VCV001424673.4), dbSNP rs925251257, ClinGen allele CA59940162.
Genomic context (GRCh38, chr2:169,292,324, plus strand): 5'-TCATCTCCATTATCTTTACAGTCATCTTCTCCATCACAAACCCAGTTTTGATAAATGCAT[C>T]GGCCACTGGGGCAAGTGAACTGGTAACCACCGCAGGTCGGATAGTCTGGAATAAAGCAAC-3'
Protein context (NP_004516.2, residues 223-243): GGYQFTCPSG[Arg233Gln]CIYQNWVCDG